The following is an entry in ClinVar:

NM_002075.4(GNB3):c.729G>A (p.Thr243=)

Genes: CDCA3 (cell division cycle associated 3; minus strand), GNB3 (G protein subunit beta 3; plus strand). Cytogenetic location: 12p13.31.
Variant type: single nucleotide variant.
Coding change: c.729G>A on transcript NM_002075.4 (MANE Select); coding-DNA position 729, G replaced by A.
Protein change: p.Thr243=; no amino-acid change (threonine 243 retained).
Molecular consequence: synonymous variant.
Genome position (GRCh38, 1-based): chr12:6,845,615, G>A. VCF-style: chr12-6845615-G-A. GRCh37 (hg19) VCF-style: chr12-6954779-G-A.
Other names: c.726G>A, p.Thr242= (NM_001297571.2).
Identifiers: ClinVar variation 774817 (VCV000774817.16), dbSNP rs147480203, ClinGen allele CA6417653.

ClinVar aggregate classification (germline): Benign. Review status: criteria provided, multiple submitters, no conflicts (2 of 4 stars). 5 submissions from 5 submitters: Benign (3). 2 of the submissions do not count toward it. Last evaluated 2026-01-05.

Conditions:
GNB3-related condition.

Allele frequency attached by ClinVar (database versions not stated): ESP Exome Variant Server 0.00077; TOPMed 0.00103; gnomAD 0.00121 and 0.00142; gnomAD exomes 0.00178 and 0.00210; 1000 Genomes Project 30x 0.00187; 1000 Genomes Project 0.00220; ExAC 0.00220.
gnomAD v4.1: 2,824 of 1,612,744 alleles (0.18%); highest among the groups gnomAD compares: South Asian, 0.83%; 19 homozygotes.

Submissions (5):

Labcorp Genetics (formerly Invitae), Labcorp
Classification: Benign. Last evaluated: 2026-01-05. Review status: criteria provided, single submitter. Criteria: Invitae Variant Classification Sherloc (09022015). Collection method: clinical testing. Allele origin: germline.

PreventionGenetics, part of Exact Sciences
Classification: Benign for GNB3-related condition. Last evaluated: 2025-05-08. Review status: criteria provided, single submitter. Criteria: ACMG Guidelines, 2015. Collection method: clinical testing. Allele origin: germline.
Comment: This variant is classified as benign based on ACMG/AMP sequence variant interpretation guidelines (Richards et al. 2015 PMID: 25741868, with internal and published modifications).

Breakthrough Genomics
Classification: Benign. Review status: criteria provided, single submitter. Criteria: ACMG Guidelines, 2015. Collection method: not provided. Allele origin: germline. Inheritance: Multifactorial inheritance. Affected: yes.

Clinical Genetics DNA and cytogenetics Diagnostics Lab, Erasmus MC, Erasmus Medical Center
Classification: Likely benign. Review status: no assertion criteria provided. Collection method: clinical testing. Allele origin: germline. Affected: yes. Study: VKGL Data-share Consensus. Not counted in ClinVar's aggregate classification.

Clinical Genetics, Academic Medical Center
Classification: Likely benign. Review status: no assertion criteria provided. Collection method: clinical testing. Allele origin: germline. Affected: yes. Study: VKGL Data-share Consensus. Not counted in ClinVar's aggregate classification.